The following is an entry in ClinVar:

NM_133433.4(NIPBL):c.2405A>G (p.Lys802Arg)

Gene: NIPBL (NIPBL cohesin loading factor; plus strand). Cytogenetic location: 5p13.2.
Variant type: single nucleotide variant.
Coding change: c.2405A>G on transcript NM_133433.4 (MANE Select); coding-DNA position 2405, A replaced by G.
Protein change: p.Lys802Arg; replaces lysine 802 with arginine.
Molecular consequence: missense variant.
Genome position (GRCh38, 1-based): chr5:36,985,585, A>G. VCF-style: chr5-36985585-A-G. GRCh37 (hg19) VCF-style: chr5-36985687-A-G.
Other names: c.2405A>G, p.Lys802Arg (NM_015384.5); short protein forms K802R.
Identifiers: ClinVar variation 1031111 (VCV001031111.1), dbSNP rs1744681690, ClinGen allele CA359501106.
Genomic context (GRCh38, chr5:36,985,585, plus strand): 5'-ATAAACAAGATACTAAATCTGACTCACCTCGGTTAAAATCAGAACGAGCTGAAGCCTTAA[A>G]GCAGAGACCTGATGGGCGATCTGTTTCTGAGTCACTAAGACGTGACCATGATAATAAACA-3'
Protein context (NP_597677.2, residues 792-812): RLKSERAEAL[Lys802Arg]QRPDGRSVSE

ClinVar aggregate classification (germline): Uncertain significance (1 of 4 stars; one submission).

Conditions:
Cornelia de Lange syndrome 1 (CDLS1). Also called: NIPBL-Related Cornelia de Lange Syndrome; TYPUS DEGENERATIVUS AMSTELODAMENSIS; Brachmann de Lange syndrome. Identifiers: Orphanet 199, MedGen C4551851, MONDO:0007387, OMIM 122470.

Allele frequency attached by ClinVar (database versions not stated): gnomAD exomes below 0.00001.
gnomAD v4.1: 2 of 1,613,964 alleles (0.00012%); highest among the groups gnomAD compares: South Asian, 0.0011%; no homozygotes.

Submission:

Baylor Genetics
Classification: Uncertain significance for Cornelia de Lange syndrome 1. Last evaluated: 2019-11-27. Review status: criteria provided, single submitter. Criteria: ACMG Guidelines, 2015. Collection method: clinical testing. Allele origin: unknown. Affected: yes.
Comment: This variant was determined to be of uncertain significance according to ACMG Guidelines, 2015 [PMID:25741868].